The following is an entry in ClinVar:

ClinVar aggregate classification (germline): Uncertain significance (1 of 4 stars; one submission).

Allele frequency attached by ClinVar (database versions not stated): gnomAD 0.00001; gnomAD exomes 0.00001.
gnomAD v4.1: 21 of 1,613,926 alleles (0.0013%); highest among the groups gnomAD compares: Middle Eastern, 0.016%; no homozygotes.

Submission:

Labcorp Genetics (formerly Invitae), Labcorp
Classification: Uncertain significance. Last evaluated: 2024-12-16. Review status: criteria provided, single submitter. Criteria: Invitae Variant Classification Sherloc (09022015). Collection method: clinical testing. Allele origin: germline.
Comment: This sequence change replaces arginine, which is basic and polar, with glutamine, which is neutral and polar, at codon 615 of the NAA35 protein (p.Arg615Gln). This variant is not present in population databases (gnomAD no frequency). This variant has not been reported in the literature in individuals affected with NAA35-related conditions. ClinVar contains an entry for this variant (Variation ID: 2761686). An algorithm developed to predict the effect of missense changes on protein structure and function (PolyPhen-2) suggests that this variant is likely to be disruptive. In summary, the available evidence is currently insufficient to determine the role of this variant in disease. Therefore, it has been classified as a Variant of Uncertain Significance.

NM_024635.4(NAA35):c.1844G>A (p.Arg615Gln)

Gene: NAA35 (N-alpha-acetyltransferase 35, NatC auxiliary subunit; plus strand). Cytogenetic location: 9q21.33.
Variant type: single nucleotide variant.
Coding change: c.1844G>A on transcript NM_024635.4 (MANE Select); coding-DNA position 1844, G replaced by A.
Protein change: p.Arg615Gln; replaces arginine 615 with glutamine.
Molecular consequence: missense variant.
Genome position (GRCh38, 1-based): chr9:86,018,325, G>A. VCF-style: chr9-86018325-G-A. GRCh37 (hg19) VCF-style: chr9-88633240-G-A.
Other names: c.1844G>A, p.Arg615Gln (NM_001321881.2, NM_001321882.2); short protein forms R615Q.
Identifiers: ClinVar variation 2761686 (VCV002761686.3), dbSNP rs1587671959, ClinGen allele CA373941554.